The following is an entry in ClinVar:

ClinVar aggregate classification (germline): Uncertain significance (1 of 4 stars; one submission).

Conditions:
RYR1-related disorder. Also called: RYR1-related condition; RYR1-related disorders. Identifiers: MedGen CN239331.

Submission:

Labcorp Genetics (formerly Invitae), Labcorp
Classification: Uncertain significance for RYR1-related disorder. Last evaluated: 2021-10-15. Review status: criteria provided, single submitter. Criteria: Invitae Variant Classification Sherloc (09022015). Collection method: clinical testing. Allele origin: germline.
Comment: In summary, the available evidence is currently insufficient to determine the role of this variant in disease. Therefore, it has been classified as a Variant of Uncertain Significance. Advanced modeling of protein sequence and biophysical properties (such as structural, functional, and spatial information, amino acid conservation, physicochemical variation, residue mobility, and thermodynamic stability) performed at Invitae indicates that this missense variant is not expected to disrupt RYR1 protein function. This variant has not been reported in the literature in individuals affected with RYR1-related conditions. The frequency data for this variant in the population databases is considered unreliable, as metrics indicate insufficient coverage at this position in the ExAC database. This sequence change replaces arginine with leucine at codon 4326 of the RYR1 protein (p.Arg4326Leu). The arginine residue is moderately conserved and there is a moderate physicochemical difference between arginine and leucine.

NM_000540.3(RYR1):c.12977G>T (p.Arg4326Leu)

Gene: RYR1 (ryanodine receptor 1; plus strand). Cytogenetic location: 19q13.2.
Variant type: single nucleotide variant.
Coding change: c.12977G>T on transcript NM_000540.3 (MANE Select); coding-DNA position 12977, G replaced by T.
Protein change: p.Arg4326Leu; replaces arginine 4326 with leucine.
Molecular consequence: missense variant.
Genome position (GRCh38, 1-based): chr19:38,565,311, G>T. VCF-style: chr19-38565311-G-T. GRCh37 (hg19) VCF-style: chr19-39055951-G-T.
Other names: c.12962G>T, p.Arg4321Leu (NM_001042723.2); short protein forms R4326L, R4321L.
Identifiers: ClinVar variation 1398271 (VCV001398271.6), dbSNP rs2145845070, ClinGen allele CA405672810.
Genomic context (GRCh38, chr19:38,565,311, plus strand): 5'-GAGGCCTCAGCTACCGCAGCCTGCGGCGGCGCGTGCGGCGGCTGCGGCGGCTTACGGCCC[G>T]CGAGGCGGCCACCGCAGTGGCGGCGCTGCTCTGGGCAGCAGTGACGCGCGCTGGGGCCGC-3'
Protein context (NP_000531.2, residues 4316-4336): RVRRLRRLTA[Arg4326Leu]EAATAVAALL